The following is an entry in ClinVar:

ClinVar aggregate classification (germline): Uncertain significance. Review status: criteria provided, multiple submitters, no conflicts (2 of 4 stars). 2 submissions from 2 submitters: Uncertain significance (2). Last evaluated 2026-03-11.

Conditions:
Familial sleep-related hypermotor epilepsy. Also called: Autosomal Dominant Sleep-Related Hypermotor (Hyperkinetic) Epilepsy. Identifiers: Orphanet 98784, MedGen C3696898, MONDO:0000030.

Submissions (2):

GeneDx
Classification: Uncertain significance. Last evaluated: 2026-03-11. Review status: criteria provided, single submitter. Criteria: GeneDx Variant Classification Process June 2021. Collection method: clinical testing. Allele origin: germline.
Comment: Not observed at significant frequency in large population cohorts (gnomAD); In silico analysis supports that this missense variant has a deleterious effect on protein structure/function; Has not been previously published as pathogenic or benign to our knowledge

Labcorp Genetics (formerly Invitae), Labcorp
Classification: Uncertain significance. Last evaluated: 2025-05-27. Review status: criteria provided, single submitter. Criteria: Invitae Variant Classification Sherloc (09022015). Collection method: clinical testing. Allele origin: germline.
Comment: This sequence change replaces threonine, which is neutral and polar, with asparagine, which is neutral and polar, at codon 299 of the CHRNA4 protein (p.Thr299Asn). This variant is present in population databases (rs779405968, gnomAD 0.003%). This variant has not been reported in the literature in individuals affected with CHRNA4-related conditions. ClinVar contains an entry for this variant (Variation ID: 3624742). Invitae Evidence Modeling of protein sequence and biophysical properties (such as structural, functional, and spatial information, amino acid conservation, physicochemical variation, residue mobility, and thermodynamic stability) indicates that this missense variant is expected to disrupt CHRNA4 protein function with a positive predictive value of 80%. In summary, the available evidence is currently insufficient to determine the role of this variant in disease. Therefore, it has been classified as a Variant of Uncertain Significance.

NM_000744.7(CHRNA4):c.896C>A (p.Thr299Asn)

Gene: CHRNA4 (cholinergic receptor nicotinic alpha 4 subunit; minus strand). Cytogenetic location: 20q13.33.
Variant type: single nucleotide variant.
Coding change: c.896C>A on transcript NM_000744.7 (MANE Select); coding-DNA position 896, C replaced by A.
Protein change: p.Thr299Asn; replaces threonine 299 with asparagine.
Molecular consequence: missense variant. On other transcripts: non-coding transcript variant (1).
Genome position (GRCh38, 1-based): chr20:63,350,515, G>T on the plus strand (C>A on the coding strand, the complement: CHRNA4 is on the minus strand). VCF-style: chr20-63350515-G-T. GRCh37 (hg19) VCF-style: chr20-61981867-G-T.
Other names: c.368C>A, p.Thr123Asn (NM_001256573.2); c.896C>A (NM_000744.5); short protein forms T123N, T299N.
Identifiers: ClinVar variation 3624742 (VCV003624742.3).